The following is an entry in ClinVar:

NM_022124.6(CDH23):c.6687C>T (p.Asp2229=)

Gene: CDH23 (cadherin related 23; plus strand). Cytogenetic location: 10q22.1.
Variant type: single nucleotide variant.
Coding change: c.6687C>T on transcript NM_022124.6 (MANE Select); coding-DNA position 6687, C replaced by T.
Protein change: p.Asp2229=; no amino-acid change (aspartic acid 2229 retained).
Molecular consequence: synonymous variant.
Genome position (GRCh38, 1-based): chr10:71,793,615, C>T. VCF-style: chr10-71793615-C-T. GRCh37 (hg19) VCF-style: chr10-73553372-C-T.
Identifiers: ClinVar variation 46016 (VCV000046016.22), dbSNP rs76463072, ClinGen allele CA137545.

ClinVar aggregate classification (germline): Conflicting classifications of pathogenicity. Review status: criteria provided, conflicting classifications (1 of 4 stars). 8 submissions from 7 submitters: Uncertain significance (1); Benign (3); Likely benign (3). 1 of the submissions does not count toward it. Last evaluated 2026-01-31.

Conditions:
Usher syndrome type 1 (USH1). Also called: RETINITIS PIGMENTOSA AND CONGENITAL DEAFNESS. Identifiers: Orphanet 231169, Orphanet 886, MedGen C1568247, MONDO:0010168, OMIM 276900.
Autosomal recessive nonsyndromic hearing loss 12. Also called: DEAFNESS, AUTOSOMAL RECESSIVE 12. Identifiers: Orphanet 90636, MedGen C1832394, MONDO:0011067, OMIM 601386.
Usher syndrome type 1D (USH1D). Also called: USHER SYNDROME, TYPE ID. Identifiers: Orphanet 231169, Orphanet 886, MedGen C1832845, MONDO:0010984, OMIM 601067.

Allele frequency attached by ClinVar (database versions not stated): gnomAD exomes 0.00045 and 0.00136; ExAC 0.00194; gnomAD 0.00468 and 0.00494; ESP Exome Variant Server 0.00515; TOPMed 0.00550; 1000 Genomes Project 0.00659; 1000 Genomes Project 30x 0.00703.
gnomAD v4.1: 1,392 of 1,599,276 alleles (0.087%); highest among the groups gnomAD compares: African/African-American, 1.6%; 9 homozygotes.

Submissions (8):

Labcorp Genetics (formerly Invitae), Labcorp
Classification: Benign. Last evaluated: 2026-01-31. Review status: criteria provided, single submitter. Criteria: Invitae Variant Classification Sherloc (09022015). Collection method: clinical testing. Allele origin: germline.

Blueprint Genetics
Classification: Likely benign. Last evaluated: 2024-11-13. Review status: criteria provided, single submitter. Criteria: ACMG Guidelines, 2015. Collection method: clinical testing. Allele origin: germline.

GeneDx
Classification: Likely benign. Last evaluated: 2021-04-29. Review status: criteria provided, single submitter. Criteria: GeneDx Variant Classification Process June 2021. Collection method: clinical testing. Allele origin: germline. Affected: yes.

Athena Diagnostics
Classification: Benign. Last evaluated: 2018-11-12. Review status: criteria provided, single submitter. Criteria: Athena Diagnostics Criteria. Collection method: clinical testing. Allele origin: germline.

Illumina Laboratory Services, Illumina
Classification: Likely benign for Usher syndrome type 1D. Last evaluated: 2018-01-12. Review status: criteria provided, single submitter. Criteria: ICSL Variant Classification Criteria 13 December 2019. Collection method: clinical testing. Allele origin: germline.
Comment: This variant was observed in the ICSL laboratory as part of a predisposition screen in an ostensibly healthy population. It had not been previously curated by ICSL or reported in the Human Gene Mutation Database (HGMD: prior to June 1st, 2018), and was therefore a candidate for classification through an automated scoring system. Utilizing variant allele frequency, disease prevalence and penetrance estimates, and inheritance mode, an automated score was calculated to assess if this variant is too frequent to cause the disease. Based on the score and internal cut-off values, a variant classified as likely benign is not then subjected to further curation. The score for this variant resulted in a classification of likely benign for this disease.

Illumina Laboratory Services, Illumina
Classification: Uncertain significance for Autosomal recessive nonsyndromic hearing loss 12. Last evaluated: 2018-01-12. Review status: criteria provided, single submitter. Criteria: ICSL Variant Classification Criteria 13 December 2019. Collection method: clinical testing. Allele origin: germline.

Laboratory for Molecular Medicine, Mass General Brigham Personalized Medicine
Classification: Benign. Last evaluated: 2011-11-03. Review status: criteria provided, single submitter. Criteria: LMM Criteria. Collection method: clinical testing. Allele origin: germline. Observed: 7 variant alleles.
Comment: Asp2229Asp in exon 48 of CDH23: This variant is not expected to have clinical si gnificance because it does not alter an amino acid residue, it is not located ne ar a splice junction and has a frequency of 4% (19/467) in dbSNP (rs76463072).

Natera, Inc.
Classification: Benign for Usher syndrome type 1. Last evaluated: 2019-12-12. Review status: no assertion criteria provided. Collection method: clinical testing. Allele origin: germline. Not counted in ClinVar's aggregate classification.